The following is an entry in ClinVar:

NM_000158.4(GBE1):c.*5G>A

Gene: GBE1 (1,4-alpha-glucan branching enzyme 1; minus strand). Cytogenetic location: 3p12.2.
Variant type: single nucleotide variant.
Coding change: c.*5G>A on transcript NM_000158.4 (MANE Select); 5 bases downstream of the stop codon, G replaced by A.
Molecular consequence: 3 prime UTR variant.
Genome position (GRCh38, 1-based): chr3:81,490,402, C>T on the plus strand (G>A on the coding strand, the complement: GBE1 is on the minus strand). VCF-style: chr3-81490402-C-T. GRCh37 (hg19) VCF-style: chr3-81539553-C-T.
Identifiers: ClinVar variation 382620 (VCV000382620.1), dbSNP rs371081815, ClinGen allele CA2499455.

ClinVar aggregate classification (germline): Likely benign (1 of 4 stars; one submission).

Allele frequency attached by ClinVar (database versions not stated): gnomAD exomes 0.00001; gnomAD 0.00008; ESP Exome Variant Server 0.00016; TOPMed 0.00010; ExAC 0.00001.
gnomAD v4.1: 20 of 1,610,930 alleles (0.0012%); highest among the groups gnomAD compares: African/African-American, 0.023%; no homozygotes.

Submission:

GeneDx
Classification: Likely benign. Last evaluated: 2016-05-20. Review status: criteria provided, single submitter. Criteria: GeneDx Variant Classification (06012015). Collection method: clinical testing. Allele origin: germline. Affected: yes.
Comment: This variant is considered likely benign or benign based on one or more of the following criteria: it is a conservative change, it occurs at a poorly conserved position in the protein, it is predicted to be benign by multiple in silico algorithms, and/or has population frequency not consistent with disease.